The following is an entry in ClinVar:

ClinVar aggregate classification (germline): Uncertain significance (1 of 4 stars; one submission).

Conditions:
Nemaline myopathy 6 (NEM6). Also called: Nemaline myopathy 6, autosomal dominant. Identifiers: Orphanet 171439, MedGen C1836472, MONDO:0012237, OMIM 609273.

gnomAD v4.1: 4 of 1,545,986 alleles (0.00026%); highest among the groups gnomAD compares: Non-Finnish European, 0.00026%; no homozygotes.

Submission:

Labcorp Genetics (formerly Invitae), Labcorp
Classification: Uncertain significance for Nemaline myopathy 6. Last evaluated: 2025-03-17. Review status: criteria provided, single submitter. Criteria: Invitae Variant Classification Sherloc (09022015). Collection method: clinical testing. Allele origin: germline.
Comment: This sequence change replaces alanine, which is neutral and non-polar, with threonine, which is neutral and polar, at codon 447 of the KBTBD13 protein (p.Ala447Thr). This variant is not present in population databases (gnomAD no frequency). This variant has not been reported in the literature in individuals affected with KBTBD13-related conditions. An algorithm developed to predict the effect of missense changes on protein structure and function outputs the following: PolyPhen-2: "Benign". The threonine amino acid residue is found in multiple mammalian species, which suggests that this missense change does not adversely affect protein function. In summary, the available evidence is currently insufficient to determine the role of this variant in disease. Therefore, it has been classified as a Variant of Uncertain Significance.

NM_001101362.3(KBTBD13):c.1339G>A (p.Ala447Thr)

Gene: KBTBD13 (kelch repeat and BTB domain containing 13; plus strand). Cytogenetic location: 15q22.31.
Variant type: single nucleotide variant.
Coding change: c.1339G>A on transcript NM_001101362.3 (MANE Select); coding-DNA position 1339, G replaced by A.
Protein change: p.Ala447Thr; replaces alanine 447 with threonine.
Molecular consequence: missense variant.
Genome position (GRCh38, 1-based): chr15:65,078,154, G>A. VCF-style: chr15-65078154-G-A. GRCh37 (hg19) VCF-style: chr15-65370492-G-A.
Other names: short protein forms A447T.
Identifiers: ClinVar variation 4711132 (VCV004711132.1).